The following is an entry in ClinVar:

ClinVar aggregate classification (germline): Pathogenic. Review status: reviewed by expert panel (3 of 4 stars). 9 submissions from 9 submitters: Pathogenic (1). 8 of the submissions do not count toward it. Last evaluated 2016-09-08.

Conditions:
Hereditary cancer-predisposing syndrome. Also called: Hereditary Cancer Syndrome; Hereditary neoplastic syndrome; Neoplastic Syndromes, Hereditary; Tumor predisposition. Identifiers: Orphanet 140162, MedGen C0027672, MeSH D009386, MONDO:0015356.
Breast-ovarian cancer, familial, susceptibility to, 1 (BROVCA1). Also called: BRCA1 Hereditary Breast and Ovarian Cancer; OVARIAN CANCER, SUSCEPTIBILITY TO. Identifiers: Orphanet 145, MedGen C2676676, MONDO:0011450, OMIM 604370. Disease mechanism: loss of function.
Familial cancer of breast. Also called: hereditary breast carcinoma; BREAST CANCER, FAMILIAL; Hereditary breast cancer. Identifiers: Orphanet 227535, MedGen C0346153, MONDO:0016419, OMIM 114480. Disease mechanism: loss of function.
Hereditary breast ovarian cancer syndrome. Also called: BRCA1- and BRCA2-Associated Hereditary Breast and Ovarian Cancer; Hereditary breast and ovarian cancer syndrome; Hereditary breast and ovarian cancer syndrome (HBOC); Breast and ovarian cancer; Hereditary breast and/or ovarian cancer syndrome; Hereditary breast and ovarian cancer. Identifiers: Orphanet 145, MedGen C0677776, MeSH D061325, MONDO:0003582. Disease mechanism: loss of function.

Submissions (9):

Evidence-based Network for the Interpretation of Germline Mutant Alleles (ENIGMA)
Classification: Pathogenic for Breast-ovarian cancer, familial, susceptibility to, 1. Last evaluated: 2016-09-08. Review status: reviewed by expert panel. Criteria: ENIGMA BRCA1/2 Classification Criteria (2015). Collection method: curation. Allele origin: germline.
Comment: Variant allele predicted to encode a truncated non-functional protein.

Labcorp Genetics (formerly Invitae), Labcorp
Classification: Pathogenic for Hereditary breast ovarian cancer syndrome. Last evaluated: 2024-05-06. Review status: criteria provided, single submitter. Criteria: Invitae Variant Classification Sherloc (09022015). Collection method: clinical testing. Allele origin: germline. Not counted in ClinVar's aggregate classification.
Comment: This sequence change creates a premature translational stop signal (p.Gln1388Glufs*2) in the BRCA1 gene. It is expected to result in an absent or disrupted protein product. Loss-of-function variants in BRCA1 are known to be pathogenic (PMID: 20104584). This variant is not present in population databases (gnomAD no frequency). This premature translational stop signal has been observed in individual(s) with breast or ovarian cancer (PMID: 9667259, 11938448, 16234499, 18489799, 22460208, 23479189). This variant is also known as 4280delTC. ClinVar contains an entry for this variant (Variation ID: 55115). For these reasons, this variant has been classified as Pathogenic.

Baylor Genetics
Classification: Pathogenic for Breast-ovarian cancer, familial, susceptibility to, 1. Last evaluated: 2021-05-25. Review status: criteria provided, single submitter. Criteria: ACMG Guidelines, 2015. Collection method: clinical testing. Allele origin: unknown. Not counted in ClinVar's aggregate classification.

Ambry Genetics
Classification: Pathogenic for Hereditary cancer-predisposing syndrome. Last evaluated: 2021-01-11. Review status: criteria provided, single submitter. Criteria: Ambry Variant Classification Scheme 2023. Collection method: clinical testing. Allele origin: germline. Not counted in ClinVar's aggregate classification.
Comment: The c.4161_4162delTC pathogenic mutation, located in coding exon 10 of the BRCA1 gene, results from a deletion of two nucleotides at nucleotide positions 4161 to 4162, causing a translational frameshift with a predicted alternate stop codon (p.Q1388Efs*2). This mutation has been reported in multiple families with breast and/or ovarian cancer (Nedelcu R et al. Eur. J. Hum. Genet. 2002 Feb;10:150-2; de Juan Jim&eacute;nez I et al. Fam. Cancer 2013 Dec;12:767-77; Frank TS et al. J. Clin. Oncol. 1998 Jul;16:2417-25; Nanda R et al. JAMA 2005 Oct;294:1925-33). In addition to the clinical data presented in the literature, this alteration is expected to result in loss of function by premature protein truncation or nonsense-mediated mRNA decay. As such, this alteration is interpreted as a disease-causing mutation.

Quest Diagnostics Nichols Institute San Juan Capistrano
Classification: Pathogenic. Last evaluated: 2018-08-09. Review status: criteria provided, single submitter. Criteria: Quest Diagnostics criteria. Collection method: clinical testing. Allele origin: germline. Not counted in ClinVar's aggregate classification.

Consortium of Investigators of Modifiers of BRCA1/2 (CIMBA), c/o University of Cambridge
Classification: Pathogenic for Breast-ovarian cancer, familial, susceptibility to, 1. Last evaluated: 2015-10-02. Review status: criteria provided, single submitter. Criteria: CIMBA Mutation Classification guidelines May 2016. Collection method: clinical testing. Allele origin: germline. Not counted in ClinVar's aggregate classification.

Research Molecular Genetics Laboratory, Women's College Hospital, University of Toronto
Classification: Pathogenic for Hereditary breast ovarian cancer syndrome. Last evaluated: 2014-01-31. Review status: no assertion criteria provided. Collection method: research. Allele origin: germline. Affected: yes. Study: The Canadian Open Genetics Repository (COGR). Not counted in ClinVar's aggregate classification.

Breast Cancer Information Core (BIC) (BRCA1)
Classification: Pathogenic for Breast-ovarian cancer, familial 1. Last evaluated: 2006-07-19. Review status: no assertion criteria provided. Collection method: clinical testing. Allele origin: germline. Affected: yes. Observed: 2 variant alleles. Not counted in ClinVar's aggregate classification.

Center for Precision Medicine, Meizhou People's Hospital
Classification: Pathogenic for Familial cancer of breast. Review status: no assertion criteria provided. Collection method: literature only. Allele origin: germline. Affected: yes. Not counted in ClinVar's aggregate classification.

Literature cited by the submitters: PubMed 20104584 (cited by Labcorp Genetics (formerly Invitae), Labcorp); PubMed 9667259 (cited by Labcorp Genetics (formerly Invitae), Labcorp and Ambry Genetics); PubMed 11938448 (cited by 3 submitters); PubMed 16234499 (cited by Labcorp Genetics (formerly Invitae), Labcorp and Ambry Genetics); PubMed 18489799 (cited by Labcorp Genetics (formerly Invitae), Labcorp); PubMed 22460208 (cited by Labcorp Genetics (formerly Invitae), Labcorp); PubMed 23479189 (cited by 3 submitters).

NM_007294.4(BRCA1):c.4161_4162del (p.Gln1388fs)

Gene: BRCA1 (BRCA1 DNA repair associated; minus strand). Cytogenetic location: 17q21.31.
Variant type: Microsatellite.
Coding change: c.4161_4162del on transcript NM_007294.4 (MANE Select); coding-DNA positions 4161 to 4162, 2 bases deleted (TC; older notation c.4161_4162delTC).
Protein change: p.Gln1388fs; shifts the reading frame from glutamine 1388.
Molecular consequence: frameshift variant. On other transcripts: non-coding transcript variant (1).
Genome position (GRCh38, 1-based): chr17:43,090,967-43,090,968, GA deleted on the plus strand (TC on the coding strand, the reverse complement: BRCA1 is on the minus strand); deleting any 2 consecutive bases within chr17:43,090,967-43,090,971 gives the same sequence; the c. name uses the placement nearest the transcript's 3' end. VCF-style (leftmost placement, unchanged base first): chr17-43090966-TGA-T. GRCh37 (hg19) VCF-style: chr17-41242983-TGA-T.
Other names: 4280delTC; c.4161_4162delTC (NM_007294.3); c.3945_3946CT[1], p.Gln1317Glufs (NM_001407571.1, NM_001407853.1, NM_001407894.1 and 9 more transcripts); c.4158_4159CT[1], p.Gln1388Glufs (NM_001407581.1, NM_001407582.1, NM_001407583.1 and 29 more transcripts); c.4155_4156CT[1], p.Gln1387Glufs (NM_001407587.1, NM_001407590.1, NM_001407591.1 and 22 more transcripts); c.4149_4150CT[1], p.Gln1385Glufs (NM_001407646.1, NM_001407647.1); c.4035_4036CT[1], p.Gln1347Glufs (NM_001407648.1, NM_001407664.1, NM_001407665.1 and 19 more transcripts); c.4032_4033CT[1], p.Gln1346Glufs (NM_001407649.1, NM_001407670.1, NM_001407671.1 and 11 more transcripts); and 46 more; short protein forms Q1341fs, Q1388fs, Q285fs.
Identifiers: ClinVar variation 55115 (VCV000055115.20), dbSNP rs80357565, ClinGen allele CA002661.